The following is an entry in ClinVar:

NM_002519.3(NPAT):c.2407G>A (p.Glu803Lys)

Gene: NPAT (nuclear protein, coactivator of histone transcription; minus strand). Cytogenetic location: 11q22.3.
Variant type: single nucleotide variant.
Coding change: c.2407G>A on transcript NM_002519.3 (MANE Select); coding-DNA position 2407, G replaced by A.
Protein change: p.Glu803Lys; replaces glutamic acid 803 with lysine.
Molecular consequence: missense variant.
Genome position (GRCh38, 1-based): chr11:108,172,577, C>T on the plus strand (G>A on the coding strand, the complement: NPAT is on the minus strand). VCF-style: chr11-108172577-C-T. GRCh37 (hg19) VCF-style: chr11-108043304-C-T.
Other names: c.2407G>A, p.Glu803Lys (NM_001321307.1); c.2407G>A (NM_002519.2); short protein forms E803K.
Identifiers: ClinVar variation 2076021 (VCV002076021.7), dbSNP rs200624398, ClinGen allele CA6263820.

ClinVar aggregate classification (germline): Uncertain significance. Review status: criteria provided, multiple submitters, no conflicts (2 of 4 stars). 2 submissions from 2 submitters: Uncertain significance (2). Last evaluated 2025-09-07.

Allele frequency attached by ClinVar (database versions not stated): TOPMed 0.00003; gnomAD 0.00004; ExAC 0.00007; gnomAD exomes 0.00007; ESP Exome Variant Server 0.00008.
gnomAD v4.1: 118 of 1,614,186 alleles (0.0073%); highest among the groups gnomAD compares: Middle Eastern, 0.2%; no homozygotes.

Submissions (2):

Labcorp Genetics (formerly Invitae), Labcorp
Classification: Uncertain significance. Last evaluated: 2025-09-07. Review status: criteria provided, single submitter. Criteria: Invitae Variant Classification Sherloc (09022015). Collection method: clinical testing. Allele origin: germline.
Comment: This sequence change replaces glutamic acid, which is acidic and polar, with lysine, which is basic and polar, at codon 803 of the NPAT protein (p.Glu803Lys). This variant is present in population databases (rs200624398, gnomAD 0.01%). This variant has not been reported in the literature in individuals affected with NPAT-related conditions. ClinVar contains an entry for this variant (Variation ID: 2076021). An algorithm developed to predict the effect of missense changes on protein structure and function (PolyPhen-2) suggests that this variant is likely to be disruptive. In summary, the available evidence is currently insufficient to determine the role of this variant in disease. Therefore, it has been classified as a Variant of Uncertain Significance.

Ambry Genetics
Classification: Uncertain significance. Last evaluated: 2024-10-12. Review status: criteria provided, single submitter. Criteria: Ambry Variant Classification Scheme 2023. Collection method: clinical testing. Allele origin: germline.